The following is an entry in ClinVar:

NM_003482.4(KMT2D):c.4995del (p.Lys1665fs)

Gene: KMT2D (lysine methyltransferase 2D; minus strand). Cytogenetic location: 12q13.12.
Variant type: Deletion.
Coding change: c.4995del on transcript NM_003482.4 (MANE Select); coding-DNA position 4995, one base deleted (A; older notation c.4995delA).
Protein change: p.Lys1665fs; shifts the reading frame from lysine 1665.
Molecular consequence: frameshift variant.
Genome position (GRCh38, 1-based): chr12:49,044,491, T deleted on the plus strand (A on the coding strand, the reverse complement: KMT2D is on the minus strand); the first of 3 consecutive T bases (chr12:49,044,491-49,044,493); deleting any one gives the same sequence. VCF-style (leftmost placement, unchanged base first): chr12-49044490-GT-G. GRCh37 (hg19) VCF-style: chr12-49438273-GT-G.
Other names: short protein forms K1665fs.
Identifiers: ClinVar variation 3341379 (VCV003341379.1).

ClinVar aggregate classification (germline): Likely pathogenic (1 of 4 stars; one submission).

Conditions:
Kabuki syndrome 1 (KABUK1). Also called: KMT2D-Related Kabuki Syndrome. Identifiers: Orphanet 2322, MedGen CN030661, MONDO:0007843, OMIM 147920.

Submission:

Neuberg Centre For Genomic Medicine, NCGM
Classification: Likely pathogenic for Kabuki syndrome 1. Last evaluated: 2023-05-20. Review status: criteria provided, single submitter. Criteria: ACMG Guidelines, 2015. Collection method: clinical testing. Allele origin: germline. Inheritance: Autosomal dominant inheritance. Affected: yes.
Comment: The observed frameshift variant c.4995del (p.Lys1665AsnfsTer57) in the KMT2D gene has not been reported previously as a pathogenic variant nor as a benign variant, to our knowledge. This variant is absent in the gnomAD Exomes. This variant causes a frameshift starting with codon Lysine 1665, changes this amino acid to Asparagine residue, and creates a premature Stop codon at position 57 of the new reading frame, denoted p.Lys1665AsnfsTer57. This variant is predicted to cause loss of normal protein function through protein truncation. Loss of function variants have been previously reported to be disease causing (Daly T, et al., 2020). For these reasons, this variant has been classified as Likely Pathogenic.